The following is an entry in ClinVar:

NM_001037333.3(CYFIP2):c.900+9CTGGGG[3]

Gene: CYFIP2 (cytoplasmic FMR1 interacting protein 2; plus strand). Cytogenetic location: 5q33.3.
Variant type: Microsatellite.
Coding change: c.900+9CTGGGG[3] on transcript NM_001037333.3 (MANE Select); three copies in a row of the 6-base unit CTGGGG starting at c.900+9.
Molecular consequence: intron variant.
Genome position: GRCh38 VCF-style: chr5-157307873-A-ACTGGGG. GRCh37 (hg19) VCF-style: chr5-156734881-A-ACTGGGG.
Other names: c.900+9CTGGGG[3] (NM_001291722.2, NM_014376.4); c.822+9CTGGGG[3] (NM_001291721.2).
Identifiers: ClinVar variation 1351731 (VCV001351731.6), dbSNP rs761129354, ClinGen allele CA3533463.

ClinVar aggregate classification (germline): Uncertain significance (1 of 4 stars; one submission).

Submission:

Labcorp Genetics (formerly Invitae), Labcorp
Classification: Uncertain significance. Last evaluated: 2021-08-25. Review status: criteria provided, single submitter. Criteria: Invitae Variant Classification Sherloc (09022015). Collection method: clinical testing. Allele origin: germline.
Comment: This sequence change falls in intron 9 of the CYFIP2 gene. It does not directly change the encoded amino acid sequence of the CYFIP2 protein. In summary, the available evidence is currently insufficient to determine the role of this variant in disease. Therefore, it has been classified as a Variant of Uncertain Significance. Experimental studies and prediction algorithms are not available or were not evaluated, and the effect of this variant on mRNA splicing is currently unknown. This variant has not been reported in the literature in individuals affected with CYFIP2-related conditions. The frequency data for this variant in the population databases is considered unreliable, as metrics indicate poor data quality at this position in the ExAC database.